The following is an entry in ClinVar:

NM_000342.4(SLC4A1):c.1541G>A (p.Arg514His)

Gene: SLC4A1 (solute carrier family 4 member 1 (Diego blood group); minus strand). Cytogenetic location: 17q21.31.
Variant type: single nucleotide variant.
Coding change: c.1541G>A on transcript NM_000342.4 (MANE Select); coding-DNA position 1541, G replaced by A.
Protein change: p.Arg514His; replaces arginine 514 with histidine.
Molecular consequence: missense variant.
Genome position (GRCh38, 1-based): chr17:44,257,435, C>T on the plus strand (G>A on the coding strand, the complement: SLC4A1 is on the minus strand). VCF-style: chr17-44257435-C-T. GRCh37 (hg19) VCF-style: chr17-42334803-C-T.
Other names: short protein forms R514H.
Identifiers: ClinVar variation 591765 (VCV000591765.7), dbSNP rs745839527, ClinGen allele CA399785495.

ClinVar aggregate classification (germline): Uncertain significance. Review status: criteria provided, multiple submitters, no conflicts (2 of 4 stars). 4 submissions from 4 submitters: Uncertain significance (3). 1 of the submissions does not count toward it. Last evaluated 2024-12-19.

Conditions:
Cryohydrocytosis. Also called: STOMATOCYTOSIS, COLD-SENSITIVE; CRYOHYDROCYTOSIS DUE TO BAND 3 HEMEL; CRYOHYDROCYTOSIS DUE TO BAND 3 HURSTPIERPOINT; CRYOHYDROCYTOSIS DUE TO BAND 3 BLACKBURN; Hereditary cryohydrocytosis with normal stomatin. Identifiers: Orphanet 398088, MedGen C1861453, MONDO:0008494, OMIM 185020.
Southeast Asian ovalocytosis. Also called: HE, STOMATOCYTIC; Elliptocytosis 4; Stomatocytic elliptocytosis, hereditary; Ovalocytosis, Malaysian-Melanesian-Filipino type. Identifiers: Orphanet 98868, MedGen C1862322, MONDO:0008165, OMIM 166900.
Autosomal dominant distal renal tubular acidosis (DRTA1). Also called: RTA, CLASSIC TYPE; RTA, DISTAL TYPE, AUTOSOMAL DOMINANT; RTA, GRADIENT TYPE; RENAL TUBULAR ACIDOSIS, DISTAL, 1; Renal Tubular Acidosis, Type I. Identifiers: Orphanet 93608, MedGen CN280572, MONDO:0008368, OMIM 179800.
Renal tubular acidosis, distal, 4, with hemolytic anemia. Also called: Renal Tubular Acidosis, Distal, with Hemolytic Anemia. Identifiers: Orphanet 93610, MedGen C5436235, MONDO:0012700, OMIM 611590.
Malaria, susceptibility to. Identifiers: Orphanet 673, MedGen C1970028, MONDO:0021024, OMIM 611162.
BLOOD GROUP--DIEGO SYSTEM (DI). Identifiers: MedGen C1292286, OMIM 110500.
BLOOD GROUP--FROESE (FR). Also called: FROESE BLOOD GROUP ANTIGEN. Identifiers: MedGen C1832168, OMIM 601551.
BLOOD GROUP--WRIGHT ANTIGEN (WR). Identifiers: MedGen C1862190, OMIM 112050.
BLOOD GROUP--SWANN SYSTEM (SW). Also called: SWANN BLOOD GROUP. Identifiers: MedGen C1832169, OMIM 601550.
BLOOD GROUP, WALDNER (WD). Also called: WALDNER BLOOD GROUP ANTIGEN. Identifiers: MedGen C1862191, OMIM 112010.
Hereditary spherocytosis type 4. Also called: SLC4A1-Related Spherocytosis. Identifiers: Orphanet 822, MedGen C2675212, MONDO:0012981, OMIM 612653.

Allele frequency attached by ClinVar (database versions not stated): TOPMed 0.00002.
gnomAD v4.1: 10 of 1,613,982 alleles (0.00062%); highest among the groups gnomAD compares: East Asian, 0.0089%; no homozygotes.

Submissions (4):

Revvity Omics, Revvity
Classification: Uncertain significance. Last evaluated: 2024-12-19. Review status: criteria provided, single submitter. Criteria: ACMG Guidelines, 2015. Collection method: clinical testing. Allele origin: germline.

Fulgent Genetics
Classification: Uncertain significance for BLOOD GROUP--DIEGO SYSTEM; BLOOD GROUP, WALDNER; BLOOD GROUP--WRIGHT ANTIGEN; Southeast Asian ovalocytosis; Autosomal dominant distal renal tubular acidosis; Cryohydrocytosis; BLOOD GROUP--SWANN SYSTEM; BLOOD GROUP--FROESE; Malaria, susceptibility to; Renal tubular acidosis, distal, 4, with hemolytic anemia; Hereditary spherocytosis type 4. Last evaluated: 2024-01-30. Review status: criteria provided, single submitter. Criteria: ACMG Guidelines, 2015. Collection method: clinical testing. Allele origin: germline.

Labcorp Genetics (formerly Invitae), Labcorp
Classification: Uncertain significance. Last evaluated: 2023-12-02. Review status: criteria provided, single submitter. Criteria: Invitae Variant Classification Sherloc (09022015). Collection method: clinical testing. Allele origin: germline.
Comment: This sequence change replaces arginine, which is basic and polar, with histidine, which is basic and polar, at codon 514 of the SLC4A1 protein (p.Arg514His). This variant is not present in population databases (gnomAD no frequency). This variant has not been reported in the literature in individuals affected with SLC4A1-related conditions. ClinVar contains an entry for this variant (Variation ID: 591765). Advanced modeling of protein sequence and biophysical properties (such as structural, functional, and spatial information, amino acid conservation, physicochemical variation, residue mobility, and thermodynamic stability) performed at Invitae indicates that this missense variant is not expected to disrupt SLC4A1 protein function with a negative predictive value of 80%. In summary, the available evidence is currently insufficient to determine the role of this variant in disease. Therefore, it has been classified as a Variant of Uncertain Significance.

Gharavi Laboratory, Columbia University
Classification: Uncertain significance. Last evaluated: 2018-09-16. Review status: no assertion criteria provided. Criteria: ACMG Guidelines, 2015. Collection method: research. Allele origin: germline. Affected: yes. Not counted in ClinVar's aggregate classification.